The following is an entry in ClinVar:

NM_000245.4(MET):c.776T>C (p.Ile259Thr)

Gene: MET (MET proto-oncogene, receptor tyrosine kinase; plus strand). Cytogenetic location: 7q31.2.
Variant type: single nucleotide variant.
Coding change: c.776T>C on transcript NM_000245.4 (MANE Select); coding-DNA position 776, T replaced by C.
Protein change: p.Ile259Thr; replaces isoleucine 259 with threonine.
Molecular consequence: missense variant. On other transcripts: intron variant (1).
Genome position (GRCh38, 1-based): chr7:116,699,860, T>C. VCF-style: chr7-116699860-T-C. GRCh37 (hg19) VCF-style: chr7-116339914-T-C.
Other names: c.776T>C, p.Ile259Thr (NM_001127500.3, NM_001324401.3); c.-91+27283T>C (NM_001324402.2); short protein forms I259T.
Identifiers: ClinVar variation 132741 (VCV000132741.7), dbSNP rs587780548, ClinGen allele CA332071.

ClinVar aggregate classification (germline): Conflicting classifications of pathogenicity. Review status: criteria provided, conflicting classifications (1 of 4 stars). 2 submissions from 2 submitters: Uncertain significance (1); Likely benign (1). Last evaluated 2025-08-06.

Conditions:
Renal cell carcinoma. Identifiers: Orphanet 217071, MedGen C0007134, MeSH D002292, MONDO:0005086, HP:0005584.
Hereditary cancer-predisposing syndrome. Also called: Tumor predisposition; Hereditary neoplastic syndrome; Neoplastic Syndromes, Hereditary; Hereditary Cancer Syndrome. Identifiers: Orphanet 140162, MedGen C0027672, MeSH D009386, MONDO:0015356.

Allele frequency attached by ClinVar (database versions not stated): gnomAD 0.00001; TOPMed 0.00001.
gnomAD v4.1: 2 of 1,614,028 alleles (0.00012%); highest among the groups gnomAD compares: African/African-American, 0.0027%; no homozygotes.

Submissions (2):

Ambry Genetics
Classification: Likely benign for Hereditary cancer-predisposing syndrome. Last evaluated: 2025-08-06. Review status: criteria provided, single submitter. Criteria: Ambry Variant Classification Scheme 2023. Collection method: clinical testing. Allele origin: germline.

Labcorp Genetics (formerly Invitae), Labcorp
Classification: Uncertain significance for Renal cell carcinoma. Last evaluated: 2022-03-28. Review status: criteria provided, single submitter. Criteria: Invitae Variant Classification Sherloc (09022015). Collection method: clinical testing. Allele origin: germline.
Comment: ClinVar contains an entry for this variant (Variation ID: 132741). This variant has not been reported in the literature in individuals affected with MET-related conditions. This variant is not present in population databases (gnomAD no frequency). This sequence change replaces isoleucine, which is neutral and non-polar, with threonine, which is neutral and polar, at codon 259 of the MET protein (p.Ile259Thr). Algorithms developed to predict the effect of missense changes on protein structure and function are either unavailable or do not agree on the potential impact of this missense change (SIFT: "Tolerated"; PolyPhen-2: "Probably Damaging"; Align-GVGD: "Class C0"). In summary, the available evidence is currently insufficient to determine the role of this variant in disease. Therefore, it has been classified as a Variant of Uncertain Significance.